The following is an entry in ClinVar:

ClinVar aggregate classification (germline): Uncertain significance (1 of 4 stars; one submission).

Conditions:
Inborn genetic diseases. Identifiers: MedGen C0950123, MeSH D030342.

gnomAD v4.1: 13 of 1,613,600 alleles (0.00081%); highest among the groups gnomAD compares: African/African-American, 0.0013%; no homozygotes.

Submission:

Ambry Genetics
Classification: Uncertain significance for Inborn genetic diseases. Last evaluated: 2025-10-14. Review status: criteria provided, single submitter. Criteria: Ambry Variant Classification Scheme 2023. Collection method: clinical testing. Allele origin: germline.
Comment: The c.103G>T (p.V35F) alteration is located in exon 2 (coding exon 1) of the ATP6V0A1 gene. This alteration results from a G to T substitution at nucleotide position 103, causing the valine (V) at amino acid position 35 to be replaced by a phenylalanine (F). Based on data from gnomAD, the T allele has an overall frequency of <0.001% (1/251484) total alleles studied. The highest observed frequency was 0.001% (1/113758) of European (non-Finnish) alleles. Based on insufficient or conflicting evidence, the clinical significance of this alteration remains unclear.

NM_001130021.3(ATP6V0A1):c.103G>T (p.Val35Phe)

Gene: ATP6V0A1 (ATPase H+ transporting V0 subunit a1; plus strand). Cytogenetic location: 17q21.2.
Variant type: single nucleotide variant.
Coding change: c.103G>T on transcript NM_001130021.3 (MANE Select); coding-DNA position 103, G replaced by T.
Protein change: p.Val35Phe; replaces valine 35 with phenylalanine.
Molecular consequence: missense variant. On other transcripts: intron variant (2).
Genome position (GRCh38, 1-based): chr17:42,460,997, G>T. VCF-style: chr17-42460997-G-T. GRCh37 (hg19) VCF-style: chr17-40613015-G-T.
Other names: c.103G>T, p.Val35Phe (NM_001130020.3, NM_001378522.1, NM_001378523.1 and 25 more transcripts); c.-64+2034G>T (NM_001378543.1, NM_001378549.1); short protein forms V35F.
Identifiers: ClinVar variation 4591511 (VCV004591511.1).